The following is an entry in ClinVar:

NM_000238.4(KCNH2):c.160T>C (p.Tyr54His)

Gene: KCNH2 (potassium voltage-gated channel subfamily H member 2; minus strand). Cytogenetic location: 7q36.1.
Variant type: single nucleotide variant.
Coding change: c.160T>C on transcript NM_000238.4 (MANE Select); coding-DNA position 160, T replaced by C.
Protein change: p.Tyr54His; replaces tyrosine 54 with histidine.
Molecular consequence: missense variant.
Genome position (GRCh38, 1-based): chr7:150,974,858, A>G on the plus strand (T>C on the coding strand, the complement: KCNH2 is on the minus strand). VCF-style: chr7-150974858-A-G. GRCh37 (hg19) VCF-style: chr7-150671946-A-G.
Other names: c.160T>C (LRG_288t1); c.-18T>C (NM_001406755.1); c.160T>C, p.Tyr54His (NM_172056.3); short protein forms Y54H.
Identifiers: ClinVar variation 67223 (VCV000067223.11), dbSNP rs199472843, ClinGen allele CA004937.
Genomic context (GRCh38, chr7:150,974,858, plus strand): 5'-TGCGCGGCCCGTGCAGGAAGTCGCAGGTGCAGGGTCGCTGCATCACCTCGGCCCGCGAGT[A>G]GCCGCACAGCTCGCAGAAGCCGTCGTTGCAGTAGATGACGGCGCAGTTCTCCACCCGAGC-3'
Protein context (NP_000229.1, residues 44-64): CNDGFCELCG[Tyr54His]SRAEVMQRPC

ClinVar aggregate classification (germline): Conflicting classifications of pathogenicity. Review status: criteria provided, conflicting classifications (1 of 4 stars). 4 submissions from 4 submitters: Likely pathogenic (1); Uncertain significance (2). 1 of the submissions does not count toward it. Last evaluated 2024-12-30.

Conditions:
Cardiovascular phenotype. Identifiers: MedGen CN230736.
Familial long QT syndrome (RWS). Also called: Congenital long QT syndrome; Romano-Ward syndrome; VENTRICULAR FIBRILLATION WITH PROLONGED QT INTERVAL. Identifiers: Orphanet 768, MedGen C1141890, MONDO:0019171.
Long QT syndrome (LQTS). Identifiers: MedGen C0023976, MeSH D008133, MONDO:0002442. Disease mechanism: loss of function. Inheritance: Various modes of inheritance.
Long QT syndrome 2 (LQT2). Identifiers: Orphanet 101016, Orphanet 768, MedGen C3150943, MONDO:0013367, OMIM 613688.

Submissions (4):

Labcorp Genetics (formerly Invitae), Labcorp
Classification: Uncertain significance for Long QT syndrome. Last evaluated: 2024-12-30. Review status: criteria provided, single submitter. Criteria: Invitae Variant Classification Sherloc (09022015). Collection method: clinical testing. Allele origin: germline.
Comment: This sequence change replaces tyrosine, which is neutral and polar, with histidine, which is basic and polar, at codon 54 of the KCNH2 protein (p.Tyr54His). This variant is not present in population databases (gnomAD no frequency). This missense change has been observed in individual(s) with clinical features of long QT syndrome (PMID: 19716085; internal data). ClinVar contains an entry for this variant (Variation ID: 67223). An algorithm developed to predict the effect of missense changes on protein structure and function (PolyPhen-2) suggests that this variant is likely to be disruptive. Experimental studies have shown that this missense change affects KCNH2 function (PMID: 25417810, 29725305, 32475984, 35688148). In summary, the available evidence is currently insufficient to determine the role of this variant in disease. Therefore, it has been classified as a Variant of Uncertain Significance.

Ambry Genetics
Classification: Likely pathogenic for Cardiovascular phenotype. Last evaluated: 2024-12-23. Review status: criteria provided, single submitter. Criteria: Ambry Variant Classification Scheme 2023. Collection method: clinical testing. Allele origin: germline.
Comment: The p.Y54H variant (also known as c.160T>C), located in coding exon 2 of the KCNH2 gene, results from a T to C substitution at nucleotide position 160. The tyrosine at codon 54 is replaced by histidine, an amino acid with similar properties. This variant was reported in individual(s) with features consistent with long QT syndrome (LQTS) (Kapplinger JD et al. Heart Rhythm, 2009 Sep;6:1297-303; Ambry internal data). In multiple assays testing KCNH2 function, this variant showed functionally abnormal results (Anderson CL et al. Nat Commun, 2014 Nov;5:5535; Ng CA et al. Am J Hum Genet, 2022 Jul;109:1208-1216). The variant is mildly destabilizing to the local structure (Ambry internal data). This variant is considered to be rare based on population cohorts in the Genome Aggregation Database (gnomAD). This amino acid position is well conserved in available vertebrate species. In addition, this alteration is predicted to be deleterious by in silico analysis. Based on the majority of available evidence to date, this variant is likely to be pathogenic.

Agnes Ginges Centre for Molecular Cardiology, Centenary Institute
Classification: Uncertain significance for Long QT syndrome 2. Last evaluated: 2019-03-25. Review status: criteria provided, single submitter. Criteria: ACMG Guidelines, 2015. Collection method: research. Allele origin: germline. Affected: yes.
Comment: The KCNH2 Tyr54His variant has been reported previously in a proband with Long QT (Kapplinger et al., 2009). The variant is absent in the Genome Aggregation Database and is located in Per-Arnt-Sim where multiple Long QT variants have been reported. Computational tools SIFT, MutationTaster, and PolyPhen-2 predict this variant to have a deleterious effect. In summary, based on location in a mutational hotspot, rarity in the general population and supportive in silico tools, we classify KCNH2 Tyr54His as variant of "uncertain significance".

Cardiovascular Biomedical Research Unit, Royal Brompton & Harefield NHS Foundation Trust
No classification provided. Condition: Familial long QT syndrome. Review status: no classification provided. Collection method: literature only. Allele origin: germline. Not counted in ClinVar's aggregate classification.
Comment: This variant has been reported as associated with Long QT syndrome in the following publications (PMID:19716085). This is a literature report, and does not necessarily reflect the clinical interpretation of the Imperial College / Royal Brompton Cardiovascular Genetics laboratory.

Literature cited by the submitters: PubMed 19716085 (cited by 4 submitters); PubMed 25417810 (cited by 3 submitters); PubMed 29725305 (cited by Labcorp Genetics (formerly Invitae), Labcorp); PubMed 32475984 (cited by Labcorp Genetics (formerly Invitae), Labcorp); PubMed 35688148 (cited by Labcorp Genetics (formerly Invitae), Labcorp and Ambry Genetics); PubMed 26704558 (cited by Agnes Ginges Centre for Molecular Cardiology, Centenary Institute); PubMed 22581653 (cited by Cardiovascular Biomedical Research Unit, Royal Brompton & Harefield NHS Foundation Trust).